The following is an entry in ClinVar:

ClinVar aggregate classification (germline): Uncertain significance (1 of 4 stars; one submission).

Conditions:
Hereditary cancer-predisposing syndrome. Also called: Neoplastic Syndromes, Hereditary; Tumor predisposition; Hereditary neoplastic syndrome; Hereditary Cancer Syndrome. Identifiers: Orphanet 140162, MedGen C0027672, MeSH D009386, MONDO:0015356.

Submission:

Ambry Genetics
Classification: Uncertain significance for Hereditary cancer-predisposing syndrome. Last evaluated: 2026-08-01. Review status: criteria provided, single submitter. Criteria: Ambry Variant Classification Scheme 2023. Collection method: clinical testing. Allele origin: germline.
Comment: The p.A182V variant (also known as c.545C>T), located in coding exon 4 of the RAD50 gene, results from a C to T substitution at nucleotide position 545. The alanine at codon 182 is replaced by valine, an amino acid with similar properties. This amino acid position is conserved. In addition, the in silico prediction for this alteration is inconclusive. Based on the available evidence, the clinical significance of this variant remains unclear.

NM_005732.4(RAD50):c.545C>T (p.Ala182Val)

Gene: RAD50 (RAD50 double strand break repair protein; plus strand). Cytogenetic location: 5q31.1.
Variant type: single nucleotide variant.
Coding change: c.545C>T on transcript NM_005732.4 (MANE Select); coding-DNA position 545, C replaced by T.
Protein change: p.Ala182Val; replaces alanine 182 with valine.
Molecular consequence: missense variant.
Genome position (GRCh38, 1-based): chr5:132,579,496, C>T. VCF-style: chr5-132579496-C-T. GRCh37 (hg19) VCF-style: chr5-131915188-C-T.
Other names: short protein forms A182V.
Identifiers: ClinVar variation 5027725 (VCV005027725.1).
Genomic context (GRCh38, chr5:132,579,496, plus strand): 5'-CTAATTGGCCTTTAAGTGAAGGAAAGGCTTTGAAGCAAAAGTTTGATGAGATTTTTTCAG[C>T]AACAAGGTTTGTAACCCTTAAATAGACTTTGTAGTCCATTAAGTTATTGAACTGTGTTTG-3'
Protein context (NP_005723.2, residues 172-192): LKQKFDEIFS[Ala182Val]TRYIKALETL